The following is an entry in ClinVar:

NM_001197104.2(KMT2A):c.6521C>T (p.Thr2174Ile)

Gene: KMT2A (lysine methyltransferase 2A; plus strand). Cytogenetic location: 11q23.3.
Variant type: single nucleotide variant.
Coding change: c.6521C>T on transcript NM_001197104.2 (MANE Select); coding-DNA position 6521, C replaced by T.
Protein change: p.Thr2174Ile; replaces threonine 2174 with isoleucine.
Molecular consequence: missense variant.
Genome position (GRCh38, 1-based): chr11:118,502,413, C>T. VCF-style: chr11-118502413-C-T. GRCh37 (hg19) VCF-style: chr11-118373128-C-T.
Other names: c.6521C>T (NM_001197104.1); c.6512C>T, p.Thr2171Ile (NM_005933.4); short protein forms T2174I, T2171I.
Identifiers: ClinVar variation 376843 (VCV000376843.9), dbSNP rs781855910, ClinGen allele CA16603184.

ClinVar aggregate classification (germline): Conflicting classifications of pathogenicity. Review status: criteria provided, conflicting classifications (1 of 4 stars). 3 submissions from 3 submitters: Uncertain significance (2); Likely benign (1). Last evaluated 2025-10-18.

Conditions:
Inborn genetic diseases. Identifiers: MedGen C0950123, MeSH D030342.

Allele frequency attached by ClinVar (database versions not stated): TOPMed below 0.00001; gnomAD 0.00001; gnomAD exomes 0.00001.
gnomAD v4.1: 6 of 1,599,712 alleles (0.00038%); highest among the groups gnomAD compares: Admixed American, 0.0035%; no homozygotes.

Submissions (3):

Ambry Genetics
Classification: Likely benign for Inborn genetic diseases. Last evaluated: 2025-10-18. Review status: criteria provided, single submitter. Criteria: Ambry Variant Classification Scheme 2023. Collection method: clinical testing. Allele origin: germline.

Labcorp Genetics (formerly Invitae), Labcorp
Classification: Uncertain significance. Last evaluated: 2025-08-11. Review status: criteria provided, single submitter. Criteria: Invitae Variant Classification Sherloc (09022015). Collection method: clinical testing. Allele origin: germline.
Comment: This sequence change replaces threonine, which is neutral and polar, with isoleucine, which is neutral and non-polar, at codon 2174 of the KMT2A protein (p.Thr2174Ile). This variant is present in population databases (rs781855910, gnomAD 0.003%). This variant has not been reported in the literature in individuals affected with KMT2A-related conditions. ClinVar contains an entry for this variant (Variation ID: 376843). Invitae Evidence Modeling of protein sequence and biophysical properties (such as structural, functional, and spatial information, amino acid conservation, physicochemical variation, residue mobility, and thermodynamic stability) indicates that this missense variant is not expected to disrupt KMT2A protein function with a negative predictive value of 95%. In summary, the available evidence is currently insufficient to determine the role of this variant in disease. Therefore, it has been classified as a Variant of Uncertain Significance.

Center for Pediatric Genomic Medicine, Children's Mercy Hospital and Clinics
Classification: Uncertain significance. Last evaluated: 2017-01-31. Review status: criteria provided, single submitter. Criteria: ACMG Guidelines, 2015. Collection method: clinical testing. Allele origin: germline.
ClinVar note: Converted during submission from Uncertain Significance to Uncertain significance.